The following is an entry in ClinVar:

NM_001048174.2(MUTYH):c.1307C>G (p.Thr436Ser)

Gene: MUTYH (mutY DNA glycosylase; minus strand). Cytogenetic location: 1p34.1.
Variant type: single nucleotide variant.
Coding change: c.1307C>G on transcript NM_001048174.2 (MANE Select); coding-DNA position 1307, C replaced by G.
Protein change: p.Thr436Ser; replaces threonine 436 with serine.
Molecular consequence: missense variant. On other transcripts: non-coding transcript variant (7).
Genome position (GRCh38, 1-based): chr1:45,331,267, G>C on the plus strand (C>G on the coding strand, the complement: MUTYH is on the minus strand). VCF-style: chr1-45331267-G-C. GRCh37 (hg19) VCF-style: chr1-45796939-G-C.
Other names: c.1265C>G, p.Thr422Ser (NM_001407080.1); c.1307C>G, p.Thr436Ser (NM_001407081.1, NM_001407088.1, NM_001407089.1 and 6 more transcripts); c.962C>G, p.Thr321Ser (NM_001407082.1, NM_001350650.2, NM_001350651.2); c.1349C>G, p.Thr450Ser (NM_001407083.1, NM_001407085.1); c.1310C>G, p.Thr437Ser (NM_001407086.1, NM_001407078.1, NM_001048172.2 and 1 more transcripts); c.1328C>G, p.Thr443Ser (NM_001407087.1); c.1031C>G, p.Thr344Ser (NM_001407091.1, NM_001293192.2, NM_001293196.2); c.1382C>G, p.Thr461Ser (NM_012222.3); and 5 more; short protein forms T423S, T437S, T422S, T443S, T450S, T464S, T321S, T344S.
Identifiers: ClinVar variation 4113210 (VCV004113210.1).
Genomic context (GRCh38, chr1:45,331,267, plus strand): 5'-GCGGTGTGAAATTCCTCCTGCGTCAGCCAGCGAGCACCTGGTGGTACGGTGGTCACTGGG[G>C]TCTGCCCTTCCAAGGCCAGCCCATATACTTGATATGTCAGCTTGATGTGAGAGAAGGTGT-3'
Protein context (NP_001041639.1, residues 426-446): QVYGLALEGQ[Thr436Ser]PVTTVPPGAR

ClinVar aggregate classification (germline): Uncertain significance (1 of 4 stars; one submission).

Conditions:
Hereditary cancer-predisposing syndrome. Also called: Tumor predisposition; Neoplastic Syndromes, Hereditary; Hereditary neoplastic syndrome; Hereditary Cancer Syndrome. Identifiers: Orphanet 140162, MedGen C0027672, MeSH D009386, MONDO:0015356.

Submission:

Ambry Genetics
Classification: Uncertain significance for Hereditary cancer-predisposing syndrome. Last evaluated: 2025-08-27. Review status: criteria provided, single submitter. Criteria: Ambry Variant Classification Scheme 2023. Collection method: clinical testing. Allele origin: germline.
Comment: The p.T464S variant (also known as c.1391C>G), located in coding exon 14 of the MUTYH gene, results from a C to G substitution at nucleotide position 1391. The threonine at codon 464 is replaced by serine, an amino acid with similar properties. This amino acid position is conserved. In addition, this alteration is predicted to be tolerated by in silico analysis. Based on the available evidence, the clinical significance of this variant remains unclear.